The following is an entry in ClinVar:

NC_000001.11:g.(?_193130168)_(193135595_?)del

Gene: CDC73 (cell division cycle 73; plus strand). Cytogenetic location: 1q31.2.
Variant type: Deletion.
Identifiers: ClinVar variation 462735 (VCV000462735.3).

ClinVar aggregate classification (germline): Likely pathogenic (1 of 4 stars; one submission).

Conditions:
Parathyroid carcinoma (PRTC). Also called: CDC73-Related Parathyroid Carcinoma; Parathyroid gland carcinoma. Identifiers: Orphanet 143, MedGen C0687150, MONDO:0012004, OMIM 608266, HP:0006780.

Submission:

Labcorp Genetics (formerly Invitae), Labcorp
Classification: Likely pathogenic for Parathyroid carcinoma. Last evaluated: 2017-08-09. Review status: criteria provided, single submitter. Criteria: Invitae Variant Classification Sherloc (09022015). Collection method: clinical testing. Allele origin: germline.
Comment: While experimental studies are not available specifically for this deletion, this in-frame deletion (p.Thr80_Glu141del) is expected to completely remove a bipartite nuclear localization signal (NLS) of the CDC73 protein (residues 125-139) (PMID: 17314275). This suggests that the genomic sequence encompassed by this deletion is important for proper localization and function of the CDC73 protein. However, the clinical relevance of this observation is not clear from this study. Deletions of exons 3-5 have not been reported in the literature in individuals with a CDC73-related disease. This variant is an in-frame deletion of the genomic region encompassing exons 3-5 of the CDC73 gene. It preserves the integrity of the reading frame. In summary, this is an in-frame deletion that disrupts an important protein functional domain. This evidence indicates that the variant is pathogenic, but additional data is needed to prove that conclusively. Therefore, this variant has been classified as Likely Pathogenic.

Literature cited by the submitters: PubMed 17314275.